The following is an entry in ClinVar:

ClinVar aggregate classification (germline): Uncertain significance (1 of 4 stars; one submission).

Submission:

Labcorp Genetics (formerly Invitae), Labcorp
Classification: Uncertain significance. Last evaluated: 2021-11-10. Review status: criteria provided, single submitter. Criteria: Invitae Variant Classification Sherloc (09022015). Collection method: clinical testing. Allele origin: germline.
Comment: This variant is not present in population databases (gnomAD no frequency). This variant has not been reported in the literature in individuals affected with HMCN1-related conditions. This sequence change replaces alanine, which is neutral and non-polar, with proline, which is neutral and non-polar, at codon 5355 of the HMCN1 protein (p.Ala5355Pro). In summary, the available evidence is currently insufficient to determine the role of this variant in disease. Therefore, it has been classified as a Variant of Uncertain Significance. Algorithms developed to predict the effect of missense changes on protein structure and function are either unavailable or do not agree on the potential impact of this missense change (SIFT: "Tolerated"; PolyPhen-2: "Probably Damaging"; Align-GVGD: "Class C0").

NM_031935.3(HMCN1):c.16063G>C (p.Ala5355Pro)

Gene: HMCN1 (hemicentin 1; plus strand). Cytogenetic location: 1q31.1.
Variant type: single nucleotide variant.
Coding change: c.16063G>C on transcript NM_031935.3 (MANE Select); coding-DNA position 16063, G replaced by C.
Protein change: p.Ala5355Pro; replaces alanine 5355 with proline.
Molecular consequence: missense variant.
Genome position (GRCh38, 1-based): chr1:186,178,535, G>C. VCF-style: chr1-186178535-G-C. GRCh37 (hg19) VCF-style: chr1-186147667-G-C.
Other names: short protein forms A5355P.
Identifiers: ClinVar variation 1392393 (VCV001392393.6), dbSNP rs775803858, ClinGen allele CA343937849.